The following is an entry in ClinVar:

NM_000254.3(MTR):c.3007+20C>A

Gene: MTR (5-methyltetrahydrofolate-homocysteine methyltransferase; plus strand). Cytogenetic location: 1q43.
Variant type: single nucleotide variant.
Coding change: c.3007+20C>A on transcript NM_000254.3 (MANE Select); 20 bases into the intron after coding-DNA position 3007, C replaced by A.
Molecular consequence: intron variant.
Genome position (GRCh38, 1-based): chr1:236,889,356, C>A. VCF-style: chr1-236889356-C-A. GRCh37 (hg19) VCF-style: chr1-237052656-C-A.
Other names: c.2854+20C>A (NM_001291939.1); c.1786+20C>A (NM_001291940.2).
Identifiers: ClinVar variation 512566 (VCV000512566.9), dbSNP rs149877608, ClinGen allele CA1474581.
Genomic context (GRCh38, chr1:236,889,356, plus strand): 5'-GAATCGAGGCTTTCCCAAGATATTTAACGACAAAACAGTAGGTTAGTGCAGTAAGTCCTT[C>A]CTTTCTGCCTCTGATATTCAAGCTGTGGGATTGTGACTTTGAAGACCGGAATCGGTGAGG-3'

ClinVar aggregate classification (germline): Benign/Likely benign. Review status: criteria provided, multiple submitters, no conflicts (2 of 4 stars). 2 submissions from 2 submitters: Benign (1); Likely benign (1). Last evaluated 2026-01-12.

Conditions:
Methylcobalamin deficiency type cblG (HMAG). Also called: Functional methionine synthase deficiency type cblG; HOMOCYSTINURIA-MEGALOBLASTIC ANEMIA, cblG COMPLEMENTATION TYPE; HOMOCYSTINURIA-MEGALOBLASTIC ANEMIA, cblG TYPE; HOMOCYSTINURIA-MEGALOBLASTIC ANEMIA DUE TO DEFECT IN COBALAMIN METABOLISM, cblG COMPLEMENTATION TYPE. Identifiers: Orphanet 2170, Orphanet 622, MedGen C1855128, MONDO:0009609, OMIM 250940.

Allele frequency attached by ClinVar (database versions not stated): gnomAD 0.00009 and 0.00013; TOPMed 0.00012; gnomAD exomes 0.00015; 1000 Genomes Project 30x 0.00062; 1000 Genomes Project 0.00080.
gnomAD v4.1: 243 of 1,613,698 alleles (0.015%); highest among the groups gnomAD compares: East Asian, 0.42%; no homozygotes.

Submissions (2):

Labcorp Genetics (formerly Invitae), Labcorp
Classification: Benign for Methylcobalamin deficiency type cblG. Last evaluated: 2026-01-12. Review status: criteria provided, single submitter. Criteria: Invitae Variant Classification Sherloc (09022015). Collection method: clinical testing. Allele origin: germline.

GeneDx
Classification: Likely benign. Last evaluated: 2017-10-20. Review status: criteria provided, single submitter. Criteria: GeneDx Variant Classification (06012015). Collection method: clinical testing. Allele origin: germline. Affected: yes.
Comment: This variant is considered likely benign or benign based on one or more of the following criteria: it is a conservative change, it occurs at a poorly conserved position in the protein, it is predicted to be benign by multiple in silico algorithms, and/or has population frequency not consistent with disease.